The following is an entry in ClinVar:

NM_001370298.3(FGD4):c.2625T>C (p.Ala875=)

Gene: FGD4 (FYVE, RhoGEF and PH domain containing 4; plus strand). Cytogenetic location: 12p11.21.
Variant type: single nucleotide variant.
Coding change: c.2625T>C on transcript NM_001370298.3 (MANE Select); coding-DNA position 2625, T replaced by C.
Protein change: p.Ala875=; no amino-acid change (alanine 875 retained).
Molecular consequence: synonymous variant.
Genome position (GRCh38, 1-based): chr12:32,640,446, T>C. VCF-style: chr12-32640446-T-C. GRCh37 (hg19) VCF-style: chr12-32793380-T-C.
Other names: c.2469T>C, p.Ala823= (NM_001304481.2); c.1182T>C, p.Ala394= (NM_001304484.2); c.1935T>C, p.Ala645= (NM_001330373.2, NM_001330374.2, NM_001384130.1); c.1662T>C, p.Ala554= (NM_001370297.1); c.2625T>C, p.Ala875= (NM_001384126.1); c.2214T>C, p.Ala738= (NM_001384127.1, NM_001384128.1, NM_001385118.1 and 1 more transcripts).
Identifiers: ClinVar variation 414874 (VCV000414874.21), dbSNP rs200144770, ClinGen allele CA6507132.

ClinVar aggregate classification (germline): Conflicting classifications of pathogenicity. Review status: criteria provided, conflicting classifications (1 of 4 stars). 4 submissions from 4 submitters: Uncertain significance (1); Likely benign (3). Last evaluated 2026-02-13.

Conditions:
FGD4-related disorder. Also called: FGD4-related condition.
Inborn genetic diseases. Identifiers: MedGen C0950123, MeSH D030342.
Charcot-Marie-Tooth disease type 4. Also called: Charcot-Marie-Tooth, Type 4; Charcot-Marie-Tooth disease, type IV. Identifiers: Orphanet 64749, MedGen C4082197, MONDO:0018995.

Allele frequency attached by ClinVar (database versions not stated): gnomAD exomes 0.00002 and 0.00004; ExAC 0.00006; ESP Exome Variant Server 0.00015; TOPMed 0.00017; gnomAD 0.00018 and 0.00020; 1000 Genomes Project 30x 0.00031; 1000 Genomes Project 0.00040.
gnomAD v4.1: 57 of 1,614,140 alleles (0.0035%); highest among the groups gnomAD compares: African/African-American, 0.072%; no homozygotes.

Submissions (4):

PreventionGenetics, part of Exact Sciences
Classification: Likely benign for FGD4-related condition. Last evaluated: 2026-02-13. Review status: criteria provided, single submitter. Criteria: ACMG Guidelines, 2015. Collection method: clinical testing. Allele origin: germline.
Comment: This variant is classified as likely benign based on ACMG/AMP sequence variant interpretation guidelines (Richards et al. 2015 PMID: 25741868, with internal and published modifications).

CeGaT Center for Human Genetics Tuebingen
Classification: Uncertain significance. Last evaluated: 2025-07-01. Review status: criteria provided, single submitter. Criteria: CeGaT Center For Human Genetics Tuebingen Variant Classification Criteria Version 2. Collection method: clinical testing. Allele origin: germline. Affected: yes. Observed: 1 variant allele.
Comment: FGD4: PM2, BP4

Labcorp Genetics (formerly Invitae), Labcorp
Classification: Likely benign for Charcot-Marie-Tooth disease type 4. Last evaluated: 2024-09-02. Review status: criteria provided, single submitter. Criteria: Invitae Variant Classification Sherloc (09022015). Collection method: clinical testing. Allele origin: germline.

Ambry Genetics
Classification: Likely benign for Inborn genetic diseases. Last evaluated: 2019-07-11. Review status: criteria provided, single submitter. Criteria: Ambry Variant Classification Scheme 2023. Collection method: clinical testing. Allele origin: germline.